The following is an entry in ClinVar:

NM_001122630.2(CDKN1C):c.217A>G (p.Ser73Gly)

Gene: CDKN1C (cyclin dependent kinase inhibitor 1C; minus strand). Cytogenetic location: 11p15.4.
Variant type: single nucleotide variant.
Coding change: c.217A>G on transcript NM_001122630.2 (MANE Select); coding-DNA position 217, A replaced by G.
Protein change: p.Ser73Gly; replaces serine 73 with glycine.
Molecular consequence: missense variant.
Genome position (GRCh38, 1-based): chr11:2,885,240, T>C on the plus strand (A>G on the coding strand, the complement: CDKN1C is on the minus strand). VCF-style: chr11-2885240-T-C. GRCh37 (hg19) VCF-style: chr11-2906470-T-C.
Other names: c.250A>G, p.Ser84Gly (NM_000076.2, NM_001362474.2); c.217A>G, p.Ser73Gly (NM_001122631.2, NM_001362475.2); short protein forms S84G, S73G.
Identifiers: ClinVar variation 3654161 (VCV003654161.2).

ClinVar aggregate classification (germline): Uncertain significance (1 of 4 stars; one submission).

Conditions:
Beckwith-Wiedemann syndrome (BWS). Also called: Exomphalos macroglossia gigantism syndrome; EMG SYNDROME. Identifiers: Orphanet 116, MedGen C0004903, MONDO:0007534, OMIM 130650.

Submission:

Labcorp Genetics (formerly Invitae), Labcorp
Classification: Uncertain significance for Beckwith-Wiedemann syndrome. Last evaluated: 2024-05-31. Review status: criteria provided, single submitter. Criteria: Invitae Variant Classification Sherloc (09022015). Collection method: clinical testing. Allele origin: germline.
Comment: This sequence change replaces serine, which is neutral and polar, with glycine, which is neutral and non-polar, at codon 84 of the CDKN1C protein (p.Ser84Gly). This variant is not present in population databases (gnomAD no frequency). This variant has not been reported in the literature in individuals affected with CDKN1C-related conditions. Advanced modeling of protein sequence and biophysical properties (such as structural, functional, and spatial information, amino acid conservation, physicochemical variation, residue mobility, and thermodynamic stability) performed at Invitae indicates that this missense variant is not expected to disrupt CDKN1C protein function with a negative predictive value of 80%. In summary, the available evidence is currently insufficient to determine the role of this variant in disease. Therefore, it has been classified as a Variant of Uncertain Significance.